The following is an entry in ClinVar:

NM_005732.4(RAD50):c.1948G>A (p.Glu650Lys)

Gene: RAD50 (RAD50 double strand break repair protein; plus strand). Cytogenetic location: 5q31.1.
Variant type: single nucleotide variant.
Coding change: c.1948G>A on transcript NM_005732.4 (MANE Select); coding-DNA position 1948, G replaced by A.
Protein change: p.Glu650Lys; replaces glutamic acid 650 with lysine.
Molecular consequence: missense variant.
Genome position (GRCh38, 1-based): chr5:132,595,023, G>A. VCF-style: chr5-132595023-G-A. GRCh37 (hg19) VCF-style: chr5-131930715-G-A.
Other names: short protein forms E650K.
Identifiers: ClinVar variation 230653 (VCV000230653.17), dbSNP rs876658686, ClinGen allele CA10578544.

ClinVar aggregate classification (germline): Uncertain significance. Review status: criteria provided, multiple submitters, no conflicts (2 of 4 stars). 3 submissions from 3 submitters: Uncertain significance (3). Last evaluated 2024-07-29.

Conditions:
Hereditary cancer-predisposing syndrome. Also called: Neoplastic Syndromes, Hereditary; Tumor predisposition; Hereditary Cancer Syndrome; Hereditary neoplastic syndrome. Identifiers: Orphanet 140162, MedGen C0027672, MeSH D009386, MONDO:0015356.
Nijmegen breakage syndrome-like disorder (NBSLD). Also called: MICROCEPHALY AND SPONTANEOUS CHROMOSOME INSTABILITY WITHOUT IMMUNODEFICIENCY; NBS-LIKE DISORDER; RAD50 DEFICIENCY. Identifiers: Orphanet 240760, MedGen C2751318, MONDO:0013118, OMIM 613078.

Submissions (3):

Ambry Genetics
Classification: Uncertain significance for Hereditary cancer-predisposing syndrome. Last evaluated: 2024-07-29. Review status: criteria provided, single submitter. Criteria: Ambry Variant Classification Scheme 2023. Collection method: clinical testing. Allele origin: germline.
Comment: The p.E650K variant (also known as c.1948G>A), located in coding exon 12 of the RAD50 gene, results from a G to A substitution at nucleotide position 1948. The glutamic acid at codon 650 is replaced by lysine, an amino acid with similar properties. This amino acid position is highly conserved in available vertebrate species. In addition, the in silico prediction for this alteration is inconclusive. Since supporting evidence is limited at this time, the clinical significance of this alteration remains unclear.

Labcorp Genetics (formerly Invitae), Labcorp
Classification: Uncertain significance for Hereditary cancer-predisposing syndrome. Last evaluated: 2023-05-09. Review status: criteria provided, single submitter. Criteria: Invitae Variant Classification Sherloc (09022015). Collection method: clinical testing. Allele origin: germline.
Comment: In summary, the available evidence is currently insufficient to determine the role of this variant in disease. Therefore, it has been classified as a Variant of Uncertain Significance. Advanced modeling of protein sequence and biophysical properties (such as structural, functional, and spatial information, amino acid conservation, physicochemical variation, residue mobility, and thermodynamic stability) performed at Invitae indicates that this missense variant is not expected to disrupt RAD50 protein function. ClinVar contains an entry for this variant (Variation ID: 230653). This variant has not been reported in the literature in individuals affected with RAD50-related conditions. This variant is not present in population databases (gnomAD no frequency). This sequence change replaces glutamic acid, which is acidic and polar, with lysine, which is basic and polar, at codon 650 of the RAD50 protein (p.Glu650Lys).

Sema4
Classification: Uncertain significance for Nijmegen breakage syndrome-like disorder. Last evaluated: 2021-08-04. Review status: criteria provided, single submitter. Criteria: Sema4 Curation Guidelines. Collection method: curation. Allele origin: germline.
Comment: To the best of our knowledge, the RAD50 c.1948G>A (p.E650K) variant has not been reported in individuals with RAD50-related disease. However, it has been reported in a healthy control in a large case-control study of breast cancer (PMID: 33471991). This variant is not reported in the population database Genome Aggregation Database (PMID: 32461654) but has been reported in ClinVar (Variation ID: 230653). Functional studies have not been performed, and in silico predictions of the variant's effect on protein function are inconclusive. The overall evidence is inconsistent with ACMG/AMP requirements for a classification of benign or pathogenic. In summary, the clinical significance of this variant is currently uncertain.

Literature cited by the submitters: PubMed 33471991 (cited by Sema4).